The following is an entry in ClinVar:

ClinVar aggregate classification (germline): Uncertain significance (1 of 4 stars; one submission).

Conditions:
Hereditary pancreatitis (PCTT). Also called: Hereditary chronic pancreatitis; PRSS1-Related Hereditary Pancreatitis. Identifiers: Orphanet 676, MedGen C0238339, MONDO:0008185, OMIM 167800.

Submission:

Ambry Genetics
Classification: Uncertain significance for Hereditary pancreatitis. Last evaluated: 2023-10-13. Review status: criteria provided, single submitter. Criteria: Ambry Variant Classification Scheme 2023. Collection method: clinical testing. Allele origin: germline.
Comment: The p.G201V variant (also known as c.602G>T), located in coding exon 6 of the CPA1 gene, results from a G to T substitution at nucleotide position 602. The glycine at codon 201 is replaced by valine, an amino acid with dissimilar properties. This amino acid position is conserved. In addition, this alteration is predicted to be tolerated by in silico analysis. Since supporting evidence is limited at this time, the clinical significance of this alteration remains unclear.

NM_001868.4(CPA1):c.602G>T (p.Gly201Val)

Gene: CPA1 (carboxypeptidase A1; plus strand). Cytogenetic location: 7q32.2.
Variant type: single nucleotide variant.
Coding change: c.602G>T on transcript NM_001868.4 (MANE Select); coding-DNA position 602, G replaced by T.
Protein change: p.Gly201Val; replaces glycine 201 with valine.
Molecular consequence: missense variant.
Genome position (GRCh38, 1-based): chr7:130,383,700, G>T. VCF-style: chr7-130383700-G-T. GRCh37 (hg19) VCF-style: chr7-130023541-G-T.
Other names: short protein forms G201V.
Identifiers: ClinVar variation 3221835 (VCV003221835.1), dbSNP rs2536008688, ClinGen allele CA369282668.